The following is an entry in ClinVar:

NM_000722.4(CACNA2D1):c.590G>A (p.Arg197His)

Gene: CACNA2D1 (calcium voltage-gated channel auxiliary subunit alpha2delta 1; minus strand). Cytogenetic location: 7q21.11.
Variant type: single nucleotide variant.
Coding change: c.590G>A on transcript NM_000722.4 (MANE Select); coding-DNA position 590, G replaced by A.
Protein change: p.Arg197His; replaces arginine 197 with histidine.
Molecular consequence: missense variant.
Genome position (GRCh38, 1-based): chr7:82,084,837, C>T on the plus strand (G>A on the coding strand, the complement: CACNA2D1 is on the minus strand). VCF-style: chr7-82084837-C-T. GRCh37 (hg19) VCF-style: chr7-81714153-C-T.
Other names: c.590G>A, p.Arg197His (NM_001302890.2, NM_001366867.1); short protein forms R197H.
Identifiers: ClinVar variation 647242 (VCV000647242.12), dbSNP rs375189396, ClinGen allele CA4318320.

ClinVar aggregate classification (germline): Conflicting classifications of pathogenicity. Review status: criteria provided, conflicting classifications (1 of 4 stars). 2 submissions from 2 submitters: Uncertain significance (1); Likely benign (1). Last evaluated 2024-12-26.

Conditions:
Cardiovascular phenotype. Identifiers: MedGen CN230736.
Brugada syndrome. Also called: Sudden unexplained nocturnal death syndrome; Sudden Unexplained Death Syndrome; Sudden Unexplained Nocturnal Death Syndrome (SUNDS); Sudden unexpected nocturnal death syndrome. Identifiers: Orphanet 130, MedGen C1142166, MONDO:0015263.

Allele frequency attached by ClinVar (database versions not stated): ExAC 0.00003; gnomAD exomes 0.00004 and 0.00009; ESP Exome Variant Server 0.00008; TOPMed 0.00008; gnomAD 0.00010; 1000 Genomes Project 30x 0.00016; 1000 Genomes Project 0.00020.
gnomAD v4.1: 142 of 1,613,882 alleles (0.0088%); highest among the groups gnomAD compares: Non-Finnish European, 0.011%; no homozygotes.

Submissions (2):

Ambry Genetics
Classification: Likely benign for Cardiovascular phenotype. Last evaluated: 2024-12-26. Review status: criteria provided, single submitter. Criteria: Ambry Variant Classification Scheme 2023. Collection method: clinical testing. Allele origin: germline.

Labcorp Genetics (formerly Invitae), Labcorp
Classification: Uncertain significance for Brugada syndrome. Last evaluated: 2024-09-18. Review status: criteria provided, single submitter. Criteria: Invitae Variant Classification Sherloc (09022015). Collection method: clinical testing. Allele origin: germline.
Comment: This sequence change replaces arginine, which is basic and polar, with histidine, which is basic and polar, at codon 197 of the CACNA2D1 protein (p.Arg197His). This variant is present in population databases (rs375189396, gnomAD 0.01%). This variant has not been reported in the literature in individuals affected with CACNA2D1-related conditions. ClinVar contains an entry for this variant (Variation ID: 647242). An algorithm developed to predict the effect of missense changes on protein structure and function (PolyPhen-2) suggests that this variant is likely to be disruptive. In summary, the available evidence is currently insufficient to determine the role of this variant in disease. Therefore, it has been classified as a Variant of Uncertain Significance.